The following is an entry in ClinVar:

ClinVar aggregate classification (germline): Uncertain significance (1 of 4 stars; one submission).

Allele frequency attached by ClinVar (database versions not stated): TOPMed below 0.00001; ExAC 0.00001; gnomAD 0.00001.
gnomAD v4.1: 2 of 1,607,634 alleles (0.00012%); highest among the groups gnomAD compares: African/African-American, 0.0027%; no homozygotes.

Submission:

Ambry Genetics
Classification: Uncertain significance. Last evaluated: 2025-05-16. Review status: criteria provided, single submitter. Criteria: Ambry Variant Classification Scheme 2023. Collection method: clinical testing. Allele origin: germline.
Comment: The p.Y183C variant (also known as c.548A>G), located in coding exon 1 of the MC1R gene, results from an A to G substitution at nucleotide position 548. The tyrosine at codon 183 is replaced by cysteine, an amino acid with highly dissimilar properties. This amino acid position is conserved. In addition, this alteration is predicted to be tolerated by in silico analysis. Based on the available evidence, the clinical significance of this variant remains unclear.

NM_002386.4(MC1R):c.548A>G (p.Tyr183Cys)

Gene: MC1R (melanocortin 1 receptor; plus strand). Cytogenetic location: 16q24.3.
Variant type: single nucleotide variant.
Coding change: c.548A>G on transcript NM_002386.4 (MANE Select); coding-DNA position 548, A replaced by G.
Protein change: p.Tyr183Cys; replaces tyrosine 183 with cysteine.
Molecular consequence: missense variant.
Genome position (GRCh38, 1-based): chr16:89,919,806, A>G. VCF-style: chr16-89919806-A-G. GRCh37 (hg19) VCF-style: chr16-89986214-A-G.
Other names: short protein forms Y183C.
Identifiers: ClinVar variation 2283214 (VCV002283214.3), dbSNP rs779866297, ClinGen allele CA8255655.
Genomic context (GRCh38, chr16:89,919,806, plus strand): 5'-GAGCCGTTGCGGCCATCTGGGTGGCCAGTGTCGTCTTCAGCACGCTCTTCATCGCCTACT[A>G]CGACCACGTGGCCGTCCTGCTGTGCCTCGTGGTCTTCTTCCTGGCTATGCTGGTGCTCAT-3'
Protein context (NP_002377.4, residues 173-193): VVFSTLFIAY[Tyr183Cys]DHVAVLLCLV